The following is an entry in ClinVar:

ClinVar aggregate classification (germline): Likely pathogenic (1 of 4 stars; one submission).

Conditions:
Greenberg dysplasia (GRBGD). Also called: CHONDRODYSTROPHY, HYDROPIC AND PRENATALLY LETHAL TYPE; HEM SKELETAL DYSPLASIA; MOTH-EATEN SKELETAL DYSPLASIA. Identifiers: Orphanet 1426, MedGen C2931048, MONDO:0008974, OMIM 215140.

Submission:

OLLIN Analises Genomicas, OLLIN
Classification: Likely pathogenic for Greenberg dysplasia. Last evaluated: 2026-08-06. Review status: criteria provided, single submitter. Criteria: ACMG Guidelines 2015 PMID 25741868. Collection method: clinical testing. Allele origin: germline. Inheritance: Autosomal dominant inheritance.
Comment: This frameshift variant, located in exon 6 (of 14), has been observed in gnomAD with an allele frequency of 0.000062%, but has not been reported in ClinVar or identified in the literature. This variant causes a frameshift and introduces a premature stop codon, which is predicted to result in either a truncated protein or degradation of the mRNA via nonsense-mediated decay (NMD). According to the currently available evidence, this variant has been classified as likely pathogenic (PVS1, PM2_P).

NM_002296.4(LBR):c.769dup (p.Arg257fs)

Gene: LBR (lamin B receptor; minus strand). Cytogenetic location: 1q42.12.
Variant type: Duplication.
Coding change: c.769dup on transcript NM_002296.4 (MANE Select); coding-DNA position 769, one base duplicated (A; older notation c.769dupA).
Protein change: p.Arg257fs; shifts the reading frame from arginine 257.
Molecular consequence: frameshift variant.
Genome position (GRCh38, 1-based): chr1:225,418,052, T duplicated on the plus strand (A on the coding strand, the reverse complement: LBR is on the minus strand). VCF-style (leftmost placement, unchanged base first): chr1-225418051-C-CT. GRCh37 (hg19) VCF-style: chr1-225605753-C-CT.
Other names: c.769dup, p.Arg257fs (NM_194442.3); short protein forms R257fs.
Identifiers: ClinVar variation 5002829 (VCV005002829.1).